The following is an entry in ClinVar:

ClinVar aggregate classification (germline): Likely benign. Review status: criteria provided, multiple submitters, no conflicts (2 of 4 stars). 2 submissions from 2 submitters: Likely benign (2). Last evaluated 2024-05-19.

Conditions:
Pyogenic arthritis-pyoderma gangrenosum-acne syndrome (PAPA). Also called: PAPA SYNDROME; FAMILIAL RECURRENT ARTHRITIS. Identifiers: Orphanet 69126, MedGen C1858361, MONDO:0011462, OMIM 604416.

Allele frequency attached by ClinVar (database versions not stated): gnomAD exomes below 0.00001; gnomAD 0.00001; TOPMed 0.00002.
gnomAD v4.1: 5 of 1,580,994 alleles (0.00032%); highest among the groups gnomAD compares: African/African-American, 0.0054%; no homozygotes.

Submissions (2):

Labcorp Genetics (formerly Invitae), Labcorp
Classification: Likely benign for Pyogenic arthritis-pyoderma gangrenosum-acne syndrome. Last evaluated: 2024-05-19. Review status: criteria provided, single submitter. Criteria: Invitae Variant Classification Sherloc (09022015). Collection method: clinical testing. Allele origin: germline.

GeneDx
Classification: Likely benign. Last evaluated: 2018-03-05. Review status: criteria provided, single submitter. Criteria: GeneDx Variant Classification (06012015). Collection method: clinical testing. Allele origin: germline. Affected: yes.
Comment: This variant is considered likely benign or benign based on one or more of the following criteria: it is a conservative change, it occurs at a poorly conserved position in the protein, it is predicted to be benign by multiple in silico algorithms, and/or has population frequency not consistent with disease.

NM_003978.5(PSTPIP1):c.418-18G>A

Gene: PSTPIP1 (proline-serine-threonine phosphatase interacting protein 1; plus strand). Cytogenetic location: 15q24.3.
Variant type: single nucleotide variant.
Coding change: c.418-18G>A on transcript NM_003978.5 (MANE Select); 18 bases into the intron before coding-DNA position 418, G replaced by A.
Molecular consequence: intron variant.
Genome position (GRCh38, 1-based): chr15:77,028,536, G>A. VCF-style: chr15-77028536-G-A. GRCh37 (hg19) VCF-style: chr15-77320877-G-A.
Other names: c.418-18G>A (LRG_172t1, NM_001321135.2); c.613-18G>A (NM_001321137.1); c.391-18G>A (NM_001321136.2).
Identifiers: ClinVar variation 515982 (VCV000515982.3), dbSNP rs1281406107, ClinGen allele CA619192627.